The following is an entry in ClinVar:

NM_006939.4(SOS2):c.3194A>C (p.Lys1065Thr)

Gene: SOS2 (SOS Ras/Rho guanine nucleotide exchange factor 2; minus strand). Cytogenetic location: 14q21.3.
Variant type: single nucleotide variant.
Coding change: c.3194A>C on transcript NM_006939.4 (MANE Select); coding-DNA position 3194, A replaced by C.
Protein change: p.Lys1065Thr; replaces lysine 1065 with threonine.
Molecular consequence: missense variant.
Genome position (GRCh38, 1-based): chr14:50,130,644, T>G on the plus strand (A>C on the coding strand, the complement: SOS2 is on the minus strand). VCF-style: chr14-50130644-T-G. GRCh37 (hg19) VCF-style: chr14-50597362-T-G.
Other names: short protein forms K1065T.
Identifiers: ClinVar variation 1441408 (VCV001441408.6), dbSNP rs1286858047, ClinGen allele CA389640786.

ClinVar aggregate classification (germline): Uncertain significance (1 of 4 stars; one submission).

Conditions:
Noonan syndrome 9 (NS9). Identifiers: Orphanet 648, MedGen C4225282, MONDO:0014691, OMIM 616559.

Allele frequency attached by ClinVar (database versions not stated): gnomAD exomes below 0.00001.
gnomAD v4.1: 1 of 1,614,204 alleles (0.000062%); highest among the groups gnomAD compares: Non-Finnish European, 0.000085%; no homozygotes.

Submission:

Labcorp Genetics (formerly Invitae), Labcorp
Classification: Uncertain significance for Noonan syndrome 9. Last evaluated: 2023-04-23. Review status: criteria provided, single submitter. Criteria: Invitae Variant Classification Sherloc (09022015). Collection method: clinical testing. Allele origin: germline.
Comment: In summary, the available evidence is currently insufficient to determine the role of this variant in disease. Therefore, it has been classified as a Variant of Uncertain Significance. Advanced modeling of protein sequence and biophysical properties (such as structural, functional, and spatial information, amino acid conservation, physicochemical variation, residue mobility, and thermodynamic stability) performed at Invitae indicates that this missense variant is not expected to disrupt SOS2 protein function. ClinVar contains an entry for this variant (Variation ID: 1441408). This variant has not been reported in the literature in individuals affected with SOS2-related conditions. This variant is present in population databases (no rsID available, gnomAD 0.0009%). This sequence change replaces lysine, which is basic and polar, with threonine, which is neutral and polar, at codon 1065 of the SOS2 protein (p.Lys1065Thr).